The following is an entry in ClinVar:

NM_000719.7(CACNA1C):c.4649T>C (p.Leu1550Pro)

Genes: CACNA1C (calcium voltage-gated channel subunit alpha1 C; plus strand), CACNA1C-AS2 (CACNA1C antisense RNA 2; minus strand). Cytogenetic location: 12p13.33.
Variant type: single nucleotide variant.
Coding change: c.4649T>C on transcript NM_000719.7 (MANE Select); coding-DNA position 4649, T replaced by C.
Protein change: p.Leu1550Pro; replaces leucine 1550 with proline.
Molecular consequence: missense variant. On other transcripts: non-coding transcript variant (1).
Genome position (GRCh38, 1-based): chr12:2,668,958, T>C. VCF-style: chr12-2668958-T-C. GRCh37 (hg19) VCF-style: chr12-2778124-T-C.
Other names: c.4610T>C, p.Leu1537Pro (NM_001129839.2); c.4649T>C, p.Leu1550Pro (NM_001129840.2, NM_001129841.2, NM_001129842.2 and 7 more transcripts); c.4640T>C, p.Leu1547Pro (NM_001129844.2); c.4616T>C, p.Leu1539Pro (NM_001129846.2, NM_001167625.2, NM_001129837.2 and 1 more transcripts); c.4793T>C, p.Leu1598Pro (NM_199460.4, NM_001129827.2); c.4715T>C, p.Leu1572Pro (NM_001129829.2); c.4733T>C, p.Leu1578Pro (NM_001129831.2); c.4709T>C, p.Leu1570Pro (NM_001129832.2); and 1 more; short protein forms L1537P, L1539P, L1547P, L1550P, L1567P, L1570P, L1572P, L1578P.
Identifiers: ClinVar variation 3384476 (VCV003384476.1).

ClinVar aggregate classification (germline): Uncertain significance (1 of 4 stars; one submission).

Submission:

GeneDx
Classification: Uncertain significance. Last evaluated: 2024-06-03. Review status: criteria provided, single submitter. Criteria: GeneDx Variant Classification Process June 2021. Collection method: clinical testing. Allele origin: germline. Affected: yes.
Comment: Not observed at significant frequency in large population cohorts (gnomAD); In silico analysis supports that this missense variant has a deleterious effect on protein structure/function; Has not been previously published as pathogenic or benign to our knowledge